The following is an entry in ClinVar:

ClinVar aggregate classification (germline): Uncertain significance (3 of 4 stars; one submission).

Conditions:
Creatine transporter deficiency (CCDS1). Also called: CEREBRAL CREATINE DEFICIENCY SYNDROME 1; Creatine Transporter (CRTR) Deficiency; Mental retardation , X-linked with seizures, short stature and midface hypoplasia; Mental retardation , X-linked, with creatine transport deficiency; X-linked creatine transporter deficiency; X-linked creatine deficiency syndrome. Identifiers: Orphanet 52503, MedGen C1845862, MONDO:0010305, OMIM 300352.

Submission:

ClinGen Cerebral Creatine Deficiency Syndromes Variant Curation Expert Panel, ClinGen
Classification: Uncertain significance for Creatine transporter deficiency. Last evaluated: 2023-03-23. Review status: reviewed by expert panel. Criteria: ClinGen_CCDS_ACMG_Specifications_SLC6A8_v1.1. Collection method: curation. Allele origin: germline.
Comment: The NM_005629.4(SLC6A8):c.407C>T variant in SLC6A8 is a missense variant predicted to cause substitution of Alanine for Valine at amino acid 136 p.(Ala136Val). This variant is absent from gnomAD v2.1.1, therefore PM2_Supporting criteria is applicable. The computational predictor REVEL gives a score of 0.873 which is above the threshold of 0.75 established for in silico predictions, therefore PP3 criteria is applicable. This variant has not been previously reported in ClinVar, and a different amino acid change at the same amino acid is reported there as a Variant of Uncertain Significance (c.406G>A (p.Ala136Thr); VarID:1285463). At the time of this curation, this variant has not been reported in individuals with suspected Creatine Transporter Deficiency in the literature. In summary, this variant meets the criteria to be classified as a Variant of Uncertain Significance for Creatine Transporter Deficiency based on the ACMG/AMP criteria applied, as specified by the ClinGen Cerebral Creatine Deficiency Syndromes Variant Curation Expert Panel (Specifications Version 1.0): PM2_Supporting, PP3. (Classification approved by the ClinGen CCDS VCEP, March 23, 2023)

NM_005629.4(SLC6A8):c.407C>T (p.Ala136Val)

Gene: SLC6A8 (solute carrier family 6 member 8; plus strand). Cytogenetic location: Xq28.
Variant type: single nucleotide variant.
Coding change: c.407C>T on transcript NM_005629.4 (MANE Select); coding-DNA position 407, C replaced by T.
Protein change: p.Ala136Val; replaces alanine 136 with valine.
Molecular consequence: missense variant.
Genome position (GRCh38, 1-based): chrX:153,691,316, C>T. VCF-style: chrX-153691316-C-T. GRCh37 (hg19) VCF-style: chrX-152956771-C-T.
Other names: NM_001142805.2:c.407C>T; c.407C>T, p.Ala136Val (NM_001142805.2); c.62C>T, p.Ala21Val (NM_001142806.1); short protein forms A136V, A21V.
Identifiers: ClinVar variation 2583098 (VCV002583098.1), dbSNP rs2522155728, ClinGen allele CA415078334.